The following is an entry in ClinVar:

NM_201384.3(PLEC):c.8893G>A (p.Glu2965Lys)

Gene: PLEC (plectin; minus strand). Cytogenetic location: 8q24.3.
Variant type: single nucleotide variant.
Coding change: c.8893G>A on transcript NM_201384.3 (MANE Select); coding-DNA position 8893, G replaced by A.
Protein change: p.Glu2965Lys; replaces glutamic acid 2965 with lysine.
Molecular consequence: missense variant.
Genome position (GRCh38, 1-based): chr8:143,920,928, C>T on the plus strand (G>A on the coding strand, the complement: PLEC is on the minus strand). VCF-style: chr8-143920928-C-T. GRCh37 (hg19) VCF-style: chr8-144995096-C-T.
Other names: c.8974G>A (NM_000445.3); c.8797G>A, p.Glu2933Lys (NM_201381.3); c.8893G>A, p.Glu2965Lys (NM_201382.4); c.8905G>A, p.Glu2969Lys (NM_201383.3); c.8974G>A, p.Glu2992Lys (NM_000445.5); c.5593G>A, p.Glu1865Lys (NM_001410941.1); c.8851G>A, p.Glu2951Lys (NM_201378.4); c.8827G>A, p.Glu2943Lys (NM_201379.3); and 1 more; short protein forms E2943K, E2951K, E2965K, E2969K, E1865K, E2933K, E2992K, E3102K.
Identifiers: ClinVar variation 2932160 (VCV002932160.4), dbSNP rs782058888, ClinGen allele CA4925145.

ClinVar aggregate classification (germline): Uncertain significance. Review status: criteria provided, multiple submitters, no conflicts (2 of 4 stars). 2 submissions from 2 submitters: Uncertain significance (2). Last evaluated 2024-11-21.

Conditions:
Epidermolysis bullosa simplex with nail dystrophy (EBS5D). Identifiers: MedGen C4225309, MONDO:0014661, OMIM 616487.
Epidermolysis bullosa simplex 5C, with pyloric atresia (EBS5C). Also called: PLEC-Related Epidermolysis Bullosa with Pyloric Atresia; Epidermolysis bullosa simplex with pyloric atresia; PLEC1-Related Epidermolysis Bullosa with Pyloric Atresia. Identifiers: Orphanet 158684, MedGen C2677349, MONDO:0012807, OMIM 612138.
Autosomal recessive limb-girdle muscular dystrophy type 2Q (LGMDR17). Also called: MUSCULAR DYSTROPHY, LIMB-GIRDLE, AUTOSOMAL RECESSIVE 17. Identifiers: Orphanet 254361, MedGen C3150989, MONDO:0013390, OMIM 613723.
Epidermolysis bullosa simplex, Ogna type (EBS5A). Also called: Pidermolysis bullosa simplex 5A, Ogna type; EPIDERMOLYSIS BULLOSA SIMPLEX 5A, OGNA TYPE. Identifiers: Orphanet 79401, MedGen C0432317, MONDO:0007555, OMIM 131950.
Epidermolysis bullosa simplex 5B, with muscular dystrophy (EBS5B). Also called: EPIDERMOLYSIS BULLOSA SIMPLEX AND LIMB-GIRDLE MUSCULAR DYSTROPHY; Epidermolysis bullosa simplex with muscular dystrophy. Identifiers: Orphanet 257, MedGen C2931072, MONDO:0009181, OMIM 226670.
Inborn genetic diseases. Identifiers: MedGen C0950123, MeSH D030342.

Allele frequency attached by ClinVar (database versions not stated): TOPMed below 0.00001; gnomAD 0.00001; gnomAD exomes 0.00001; ExAC 0.00003.
gnomAD v4.1: 9 of 1,612,744 alleles (0.00056%); highest among the groups gnomAD compares: Admixed American, 0.005%; no homozygotes.

Submissions (2):

Ambry Genetics
Classification: Uncertain significance for Inborn genetic diseases. Last evaluated: 2024-11-21. Review status: criteria provided, single submitter. Criteria: Ambry Variant Classification Scheme 2023. Collection method: clinical testing. Allele origin: germline.

Labcorp Genetics (formerly Invitae), Labcorp
Classification: Uncertain significance for Autosomal recessive limb-girdle muscular dystrophy type 2Q; Epidermolysis bullosa simplex, Ogna type; Epidermolysis bullosa simplex with nail dystrophy; Epidermolysis bullosa simplex 5C, with pyloric atresia; Epidermolysis bullosa simplex 5B, with muscular dystrophy. Last evaluated: 2023-05-05. Review status: criteria provided, single submitter. Criteria: Invitae Variant Classification Sherloc (09022015). Collection method: clinical testing. Allele origin: germline.
Comment: In summary, the available evidence is currently insufficient to determine the role of this variant in disease. Therefore, it has been classified as a Variant of Uncertain Significance. This sequence change replaces glutamic acid, which is acidic and polar, with lysine, which is basic and polar, at codon 2992 of the PLEC protein (p.Glu2992Lys). This variant is present in population databases (rs782058888, gnomAD 0.007%). This variant has not been reported in the literature in individuals affected with PLEC-related conditions. An algorithm developed to predict the effect of missense changes on protein structure and function (PolyPhen-2) suggests that this variant is likely to be disruptive.